The following is an entry in ClinVar:

ClinVar aggregate classification (germline): Uncertain significance (1 of 4 stars; one submission).

Submission:

Labcorp Genetics (formerly Invitae), Labcorp
Classification: Uncertain significance. Last evaluated: 2021-10-12. Review status: criteria provided, single submitter. Criteria: Invitae Variant Classification Sherloc (09022015). Collection method: clinical testing. Allele origin: germline.
Comment: This variant has not been reported in the literature in individuals affected with NBAS-related conditions. This sequence change replaces glutamine with histidine at codon 1553 of the NBAS protein (p.Gln1553His). The glutamine residue is highly conserved and there is a small physicochemical difference between glutamine and histidine. This variant is not present in population databases (ExAC no frequency). Algorithms developed to predict the effect of missense changes on protein structure and function are either unavailable or do not agree on the potential impact of this missense change (SIFT: "Deleterious"; PolyPhen-2: "Probably Damaging"; Align-GVGD: "Class C15"). In summary, the available evidence is currently insufficient to determine the role of this variant in disease. Therefore, it has been classified as a Variant of Uncertain Significance.

NM_015909.4(NBAS):c.4659A>C (p.Gln1553His)

Gene: NBAS (NBAS subunit of NRZ tethering complex; minus strand). Cytogenetic location: 2p24.3.
Variant type: single nucleotide variant.
Coding change: c.4659A>C on transcript NM_015909.4 (MANE Select); coding-DNA position 4659, A replaced by C.
Protein change: p.Gln1553His; replaces glutamine 1553 with histidine.
Molecular consequence: missense variant. On other transcripts: non-coding transcript variant (1).
Genome position (GRCh38, 1-based): chr2:15,309,171, T>G on the plus strand (A>C on the coding strand, the complement: NBAS is on the minus strand). VCF-style: chr2-15309171-T-G. GRCh37 (hg19) VCF-style: chr2-15449295-T-G.
Other names: short protein forms Q1553H.
Identifiers: ClinVar variation 1420560 (VCV001420560.6), dbSNP rs868565726, ClinGen allele CA42624810.